The following is an entry in ClinVar:

ClinVar aggregate classification (germline): Uncertain significance (1 of 4 stars; one submission).

Conditions:
DDX23-related disorder. Also called: DDX23-related condition.

Submission:

3billion
Classification: Uncertain significance for DDX23-related disorder. Last evaluated: 2025-08-07. Review status: criteria provided, single submitter. Criteria: ACMG Guidelines, 2015. Collection method: clinical testing. Allele origin: germline. Affected: yes.
Comment: The variant is not observed in the gnomAD v4.1.0 dataset. Predicted Consequence/Location: Missense variant. In silico tool predictions suggest damaging effect of the variant on gene or gene product [REVEL: 0.93 (>=0.6, sensitivity 0.68 and specificity 0.92)]. The variant has been reported as of uncertain significance (PMID: 29738522). Therefore, this variant is classified as VUS according to the recommendation of ACMG/AMP guideline.

NM_004818.3(DDX23):c.2251C>T (p.Arg751Cys)

Gene: DDX23 (DEAD-box helicase 23; minus strand). Cytogenetic location: 12q13.12.
Variant type: single nucleotide variant.
Coding change: c.2251C>T on transcript NM_004818.3 (MANE Select); coding-DNA position 2251, C replaced by T.
Protein change: p.Arg751Cys; replaces arginine 751 with cysteine.
Molecular consequence: missense variant.
Genome position (GRCh38, 1-based): chr12:48,830,681, G>A on the plus strand (C>T on the coding strand, the complement: DDX23 is on the minus strand). VCF-style: chr12-48830681-G-A. GRCh37 (hg19) VCF-style: chr12-49224464-G-A.
Other names: short protein forms R751C.
Identifiers: ClinVar variation 4854961 (VCV004854961.1).
Genomic context (GRCh38, chr12:48,830,681, plus strand): 5'-CTTTTGTGAGGAAGGTGATGGCCACCCCACTCTTGCCTGCTCGTCCCGTGCGGCCAATGC[G>A]GTGGATGTAATCTGGGGAATGGGAAGAACGTCACTCAGCATAGCCCAGATGCCCTGGGGA-3'
Protein context (NP_004809.2, residues 741-761): MAKNIEDYIH[Arg751Cys]IGRTGRAGKS